The following is an entry in ClinVar:

NM_001903.5(CTNNA1):c.2434G>A (p.Val812Met)

Gene: CTNNA1 (catenin alpha 1; plus strand). Cytogenetic location: 5q31.2.
Variant type: single nucleotide variant.
Coding change: c.2434G>A on transcript NM_001903.5 (MANE Select); coding-DNA position 2434, G replaced by A.
Protein change: p.Val812Met; replaces valine 812 with methionine.
Molecular consequence: missense variant. On other transcripts: synonymous variant (5), intron variant (1).
Genome position (GRCh38, 1-based): chr5:138,933,802, G>A. VCF-style: chr5-138933802-G-A. GRCh37 (hg19) VCF-style: chr5-138269491-G-A.
Other names: c.2505G>A, p.Gly835= (NM_001290307.3); c.2125G>A, p.Val709Met (NM_001290309.3); c.2065G>A, p.Val689Met (NM_001290310.3); c.1324G>A, p.Val442Met (NM_001290312.1, NM_001323987.1, NM_001323988.1 and 12 more transcripts); c.2434G>A, p.Val812Met (NM_001323982.2, NM_001323983.1, NM_001323984.2); c.2341G>A, p.Val781Met (NM_001323986.2); c.1189G>A, p.Val397Met (NM_001324001.1); c.1395G>A, p.Gly465= (NM_001324002.1, NM_001324003.1, NM_001324004.1 and 1 more transcripts); and 4 more; short protein forms V361M, V781M, V812M, V397M, V411M, V329M, V689M, V442M.
Identifiers: ClinVar variation 843987 (VCV000843987.7), dbSNP rs1765966358, ClinGen allele CA361134889.

ClinVar aggregate classification (germline): Uncertain significance (1 of 4 stars; one submission).

Submission:

Labcorp Genetics (formerly Invitae), Labcorp
Classification: Uncertain significance. Last evaluated: 2021-10-19. Review status: criteria provided, single submitter. Criteria: Invitae Variant Classification Sherloc (09022015). Collection method: clinical testing. Allele origin: germline.
Comment: ClinVar contains an entry for this variant (Variation ID: 843987). This sequence change replaces valine, which is neutral and non-polar, with methionine, which is neutral and non-polar, at codon 812 of the CTNNA1 protein (p.Val812Met). This variant is not present in population databases (gnomAD no frequency). This variant has not been reported in the literature in individuals affected with CTNNA1-related conditions. Algorithms developed to predict the effect of missense changes on protein structure and function are either unavailable or do not agree on the potential impact of this missense change (SIFT: "Deleterious"; PolyPhen-2: "Benign"; Align-GVGD: "Class C0"). In summary, the available evidence is currently insufficient to determine the role of this variant in disease. Therefore, it has been classified as a Variant of Uncertain Significance.